The following is an entry in ClinVar:

NM_031206.7(LAS1L):c.330A>T (p.Glu110Asp)

Gene: LAS1L (LAS1 like ribosome biogenesis factor; minus strand). Cytogenetic location: Xq12.
Variant type: single nucleotide variant.
Coding change: c.330A>T on transcript NM_031206.7 (MANE Select); coding-DNA position 330, A replaced by T.
Protein change: p.Glu110Asp; replaces glutamic acid 110 with aspartic acid.
Molecular consequence: missense variant. On other transcripts: 5 prime UTR variant (1), non-coding transcript variant (1), intron variant (1).
Genome position (GRCh38, 1-based): chrX:65,533,642, T>A on the plus strand (A>T on the coding strand, the complement: LAS1L is on the minus strand). VCF-style: chrX-65533642-T-A. GRCh37 (hg19) VCF-style: chrX-64753522-T-A.
Other names: c.330A>T, p.Glu110Asp (NM_001170649.2, NM_001375328.1, NM_001375329.1 and 8 more transcripts); c.-467A>T (NM_001375332.1); c.236+838A>T (NM_001170650.2); short protein forms E110D.
Identifiers: ClinVar variation 3600802 (VCV003600802.2).

ClinVar aggregate classification (germline): Uncertain significance (1 of 4 stars; one submission).

Submission:

GeneDx
Classification: Uncertain significance. Last evaluated: 2025-03-17. Review status: criteria provided, single submitter. Criteria: GeneDx Variant Classification Process June 2021. Collection method: clinical testing. Allele origin: germline. Affected: yes.
Comment: Not observed at significant frequency in large population cohorts (gnomAD); In silico analysis indicates that this missense variant does not alter protein structure/function; Has not been previously published as pathogenic or benign to our knowledge